The following is an entry in ClinVar:

NC_000019.9:g.(?_14857024)_(14857794_?)del

Gene: ADGRE2 (adhesion G protein-coupled receptor E2; minus strand). Cytogenetic location: 19p13.12.
Variant type: Deletion.
Identifiers: ClinVar variation 2425872 (VCV002425872.4).

ClinVar aggregate classification (germline): Uncertain significance (1 of 4 stars; one submission).

Submission:

Labcorp Genetics (formerly Invitae), Labcorp
Classification: Uncertain significance. Last evaluated: 2023-12-30. Review status: criteria provided, single submitter. Criteria: Invitae Variant Classification Sherloc (09022015). Collection method: clinical testing. Allele origin: germline.
Comment: This variant is a gross deletion of the genomic region encompassing exon(s) 17-18 of the ADGRE2 gene. This variant would be expected to be in-frame, preserving the integrity of the reading frame. This variant has not been reported in the literature in individuals affected with ADGRE2-related conditions. Experimental studies and prediction algorithms are not available or were not evaluated, and the functional significance of this variant is currently unknown. In summary, the available evidence is currently insufficient to determine the role of this variant in disease. Therefore, it has been classified as a Variant of Uncertain Significance.